The following is an entry in ClinVar:

NM_004006.3(DMD):c.891G>T (p.Lys297Asn)

Gene: DMD (dystrophin; minus strand). Cytogenetic location: Xp21.1.
Variant type: single nucleotide variant.
Coding change: c.891G>T on transcript NM_004006.3 (MANE Select); coding-DNA position 891, G replaced by T.
Protein change: p.Lys297Asn; replaces lysine 297 with asparagine.
Molecular consequence: missense variant.
Genome position (GRCh38, 1-based): chrX:32,697,939, C>A on the plus strand (G>T on the coding strand, the complement: DMD is on the minus strand). VCF-style: chrX-32697939-C-A. GRCh37 (hg19) VCF-style: chrX-32716056-C-A.
Other names: c.867G>T, p.Lys289Asn (NM_000109.4); c.879G>T, p.Lys293Asn (NM_004009.3); c.522G>T, p.Lys174Asn (NM_004010.3); short protein forms K297N, K174N, K289N, K293N.
Identifiers: ClinVar variation 618601 (VCV000618601.16), dbSNP rs1569467457, ClinGen allele CA412668584.

ClinVar aggregate classification (germline): Uncertain significance. Review status: criteria provided, multiple submitters, no conflicts (2 of 4 stars). 4 submissions from 4 submitters: Uncertain significance (3). 1 of the submissions does not count toward it. Last evaluated 2023-10-13.

Conditions:
Cardiomyopathy (CMYO). Also called: Cardiomyopathies. Identifiers: Orphanet 167848, MedGen C0878544, MONDO:0004994, HP:0001638. Inheritance: Various modes of inheritance.
Duchenne muscular dystrophy (DMD). Also called: MUSCULAR DYSTROPHY, PSEUDOHYPERTROPHIC PROGRESSIVE, DUCHENNE TYPE; Duchenne Muscular Dystrophy (DMD). Identifiers: Orphanet 98896, MedGen C0013264, MONDO:0010679, OMIM 310200.
Becker muscular dystrophy (BMD). Also called: MUSCULAR DYSTROPHY, PSEUDOHYPERTROPHIC PROGRESSIVE, BECKER TYPE; Becker Muscular Dystrophy (BMD). Identifiers: Orphanet 98895, MedGen C0917713, MONDO:0010311, OMIM 300376.
Dystrophin deficiency.
Arrhythmogenic right ventricular cardiomyopathy (ARVD). Also called: Arrhythmogenic cardiomyopathy; Arrhythmogenic Right Ventricular Cardiomyopathy (ARVC); Cardiomyopathy, ARVC; Arrhythmogenic right ventricular dysplasia. Identifiers: Orphanet 247, MedGen C0349788, MeSH D019571, MONDO:0016587. Disease mechanism: loss of function. Inheritance: Various modes of inheritance.

Submissions (4):

Labcorp Genetics (formerly Invitae), Labcorp
Classification: Uncertain significance for Duchenne muscular dystrophy. Last evaluated: 2023-10-13. Review status: criteria provided, single submitter. Criteria: Invitae Variant Classification Sherloc (09022015). Collection method: clinical testing. Allele origin: germline.
Comment: This sequence change replaces lysine, which is basic and polar, with asparagine, which is neutral and polar, at codon 297 of the DMD protein (p.Lys297Asn). This variant is not present in population databases (gnomAD no frequency). This variant has not been reported in the literature in individuals affected with DMD-related conditions. ClinVar contains an entry for this variant (Variation ID: 618601). Advanced modeling of protein sequence and biophysical properties (such as structural, functional, and spatial information, amino acid conservation, physicochemical variation, residue mobility, and thermodynamic stability) performed at Invitae indicates that this missense variant is not expected to disrupt DMD protein function. Algorithms developed to predict the effect of sequence changes on RNA splicing suggest that this variant may disrupt the consensus splice site. In summary, the available evidence is currently insufficient to determine the role of this variant in disease. Therefore, it has been classified as a Variant of Uncertain Significance.

Center for Advanced Laboratory Medicine, UC San Diego Health, University of California San Diego
Classification: Uncertain significance for Arrhythmogenic right ventricular cardiomyopathy. Last evaluated: 2018-01-03. Review status: criteria provided, single submitter. Criteria: ACMG Guidelines, 2015. Collection method: clinical testing. Allele origin: germline. Affected: yes. Observed: 1 variant allele.

ARUP Laboratories, Molecular Genetics and Genomics, ARUP Laboratories
Classification: Uncertain significance. Last evaluated: 2017-07-21. Review status: criteria provided, single submitter. Criteria: ARUP Molecular Germline Variant Investigation Process. Collection method: clinical testing. Allele origin: germline.
Comment: The p.Lys297Asn variant has not been reported in the medical literature, gene specific variation databases, nor has it been previously identified by our laboratory. It is absent from general population databases such as 1000 Genomes, NHLBI GO Exome Sequencing Project (ESP), and the Genome Aggregation Database (gnomAD). The lysine at position 297 is highly conserved considering seven species (Alamut v2.9.0), and computational analyses of the effects of the p.Lys297Asn variant on protein structure and function provide conflicting results (SIFT: tolerated, MutationTaster: disease causing, PolyPhen-2: benign). Altogether, there is not enough evidence to classify the p.Lys297Asn variant with certainty.

Natera, Inc.
Classification: Uncertain significance for Becker muscular dystrophy; Cardiomyopathy; Duchenne muscular dystrophy; Dystrophin deficiency. Last evaluated: 2018-10-30. Review status: no assertion criteria provided. Collection method: clinical testing. Allele origin: germline. Not counted in ClinVar's aggregate classification.